The following is an entry in ClinVar:

ClinVar aggregate classification (germline): Likely benign (1 of 4 stars; one submission).

Submission:

CeGaT Center for Human Genetics Tuebingen
Classification: Likely benign. Last evaluated: 2026-01-01. Review status: criteria provided, single submitter. Criteria: CeGaT Center For Human Genetics Tuebingen Variant Classification Criteria Version 2. Collection method: clinical testing. Allele origin: germline. Affected: yes. Observed: 1 variant allele.
Comment: AHNAK2: BP4, BP7

NM_138420.4(AHNAK2):c.7968A>G (p.Pro2656=)

Gene: AHNAK2 (AHNAK nucleoprotein 2; minus strand). Cytogenetic location: 14q32.33.
Variant type: single nucleotide variant.
Coding change: c.7968A>G on transcript NM_138420.4 (MANE Select); coding-DNA position 7968, A replaced by G.
Protein change: p.Pro2656=; no amino-acid change (proline 2656 retained).
Molecular consequence: synonymous variant.
Genome position (GRCh38, 1-based): chr14:104,947,483, T>C on the plus strand (A>G on the coding strand, the complement: AHNAK2 is on the minus strand). VCF-style: chr14-104947483-T-C. GRCh37 (hg19) VCF-style: chr14-105413820-T-C.
Other names: c.7668A>G, p.Pro2556= (NM_001350929.2).
Identifiers: ClinVar variation 4820919 (VCV004820919.4).